The following is an entry in ClinVar:

NM_014844.5(TECPR2):c.3905_3918del (p.Val1302fs)

Gene: TECPR2 (tectonin beta-propeller repeat containing 2; plus strand). Cytogenetic location: 14q32.31.
Variant type: Deletion.
Coding change: c.3905_3918del on transcript NM_014844.5 (MANE Select); coding-DNA positions 3905 to 3918, 14 bases deleted (TGGGGACCGCCTGG).
Protein change: p.Val1302fs; shifts the reading frame from valine 1302.
Molecular consequence: frameshift variant.
Genome position (GRCh38, 1-based): chr14:102,497,094-102,497,107, TGGGGACCGCCTGG deleted; deleting any 14 consecutive bases within chr14:102,497,093-102,497,107 gives the same sequence; the c. name uses the placement nearest the transcript's 3' end. VCF-style (leftmost placement, unchanged base first): chr14-102497092-TGTGGGGACCGCCTG-T. GRCh37 (hg19) VCF-style: chr14-102963429-TGTGGGGACCGCCTG-T.
Other names: short protein forms V1302fs.
Identifiers: ClinVar variation 3338229 (VCV003338229.2).

ClinVar aggregate classification (germline): Pathogenic (0 of 4 stars; one submission).

Conditions:
Autism (AUTS). Also called: Autistic disorder of childhood onset; Autistic disorder. Identifiers: MedGen C0004352, MeSH D001321, MONDO:0005260, OMIM 209850, HP:0000717.

Submission:

Centre for Addiction & Mental Health
Classification: Pathogenic for Autism. Review status: no assertion criteria provided. Collection method: research. Allele origin: biparental. Affected: yes. Observed: 1 homozygote. Segregation with disease observed.
Comment: Loss-of-function variant, biallelic, in known autosomal recessive disease gene